The following is an entry in ClinVar:

NM_001018005.2(TPM1):c.772+142C>T

Gene: TPM1 (tropomyosin 1; plus strand). Cytogenetic location: 15q22.2.
Variant type: single nucleotide variant.
Coding change: c.772+142C>T on transcript NM_001018005.2 (MANE Select); 142 bases into the intron after coding-DNA position 772, C replaced by T.
Molecular consequence: intron variant. On other transcripts: missense variant (3), non-coding transcript variant (1).
Genome position (GRCh38, 1-based): chr15:63,062,787, C>T. VCF-style: chr15-63062787-C-T. GRCh37 (hg19) VCF-style: chr15-63354986-C-T.
Other names: c.772+142C>T (NM_001018004.2, NM_001407334.1, NM_001407335.1 and 19 more transcripts); c.898+142C>T (NM_001407323.1, NM_001407322.1, NM_001407324.1 and 1 more transcripts); c.664+142C>T (NM_001330351.2, NM_001330344.2, NM_001018008.2 and 7 more transcripts); c.914C>T, p.Ser305Phe (NM_001407325.1); c.806C>T, p.Ser269Phe (NM_001407340.1, NM_001407341.1); short protein forms S269F, S305F.
Identifiers: ClinVar variation 4076436 (VCV004076436.1), dbSNP rs555024045.

ClinVar aggregate classification (germline): Likely benign (1 of 4 stars; one submission).

gnomAD v4.1: 14 of 1,549,848 alleles (0.0009%); highest among the groups gnomAD compares: Admixed American, 0.012%; no homozygotes.

Submission:

Molecular Diagnostic Laboratory for Inherited Cardiovascular Disease, Montreal Heart Institute
Classification: Likely benign. Last evaluated: 2025-07-24. Review status: criteria provided, single submitter. Criteria: ACMG Guidelines, 2015. Collection method: clinical testing. Allele origin: germline. Affected: no.
Comment: BP4